The following is an entry in ClinVar:

NM_000045.4(ARG1):c.892G>A (p.Ala298Thr)

Genes: ARG1 (arginase 1; plus strand), MED23 (mediator complex subunit 23; minus strand). Cytogenetic location: 6q23.2.
Variant type: single nucleotide variant.
Coding change: c.892G>A on transcript NM_000045.4 (MANE Select); coding-DNA position 892, G replaced by A.
Protein change: p.Ala298Thr; replaces alanine 298 with threonine.
Molecular consequence: missense variant. On other transcripts: intron variant (2), non-coding transcript variant (1).
Genome position (GRCh38, 1-based): chr6:131,583,831, G>A. VCF-style: chr6-131583831-G-A. GRCh37 (hg19) VCF-style: chr6-131904971-G-A.
Other names: c.4095+3878C>T (NM_015979.4); c.916G>A, p.Ala306Thr (NM_001244438.2); c.637G>A, p.Ala213Thr (NM_001369020.1); c.4077+3878C>T (NM_001270521.2); short protein forms A213T, A298T, A306T.
Identifiers: ClinVar variation 1021041 (VCV001021041.7), dbSNP rs755359126, ClinGen allele CA147898864.

ClinVar aggregate classification (germline): Uncertain significance (1 of 4 stars; one submission).

Conditions:
Arginase deficiency. Also called: ARGININEMIA; ARG1 DEFICIENCY; Arginase 1 Deficiency. Identifiers: Orphanet 90, MedGen C0268548, MONDO:0008814, OMIM 207800.

Allele frequency attached by ClinVar (database versions not stated): TOPMed 0.00002.
gnomAD v4.1: 7 of 1,614,002 alleles (0.00043%); highest among the groups gnomAD compares: African/African-American, 0.004%; no homozygotes.

Submission:

Labcorp Genetics (formerly Invitae), Labcorp
Classification: Uncertain significance for Arginase deficiency. Last evaluated: 2022-06-27. Review status: criteria provided, single submitter. Criteria: Invitae Variant Classification Sherloc (09022015). Collection method: clinical testing. Allele origin: germline.
Comment: This sequence change replaces alanine, which is neutral and non-polar, with threonine, which is neutral and polar, at codon 298 of the ARG1 protein (p.Ala298Thr). This variant is not present in population databases (gnomAD no frequency). This variant has not been reported in the literature in individuals affected with ARG1-related conditions. ClinVar contains an entry for this variant (Variation ID: 1021041). Algorithms developed to predict the effect of missense changes on protein structure and function (SIFT, PolyPhen-2, Align-GVGD) all suggest that this variant is likely to be tolerated. In summary, the available evidence is currently insufficient to determine the role of this variant in disease. Therefore, it has been classified as a Variant of Uncertain Significance.